The following is an entry in ClinVar:

ClinVar aggregate classification (germline): Uncertain significance (1 of 4 stars; one submission).

gnomAD v4.1: 1 of 1,604,510 alleles (0.000062%); highest among the groups gnomAD compares: Non-Finnish European, 0.000085%; no homozygotes.

Submission:

Labcorp Genetics (formerly Invitae), Labcorp
Classification: Uncertain significance. Last evaluated: 2025-05-13. Review status: criteria provided, single submitter. Criteria: Invitae Variant Classification Sherloc (09022015). Collection method: clinical testing. Allele origin: germline.
Comment: This sequence change falls in intron 1 of the TNFRSF11A gene. It does not directly change the encoded amino acid sequence of the TNFRSF11A protein. This variant is not present in population databases (gnomAD no frequency). This variant has not been reported in the literature in individuals affected with TNFRSF11A-related conditions. Algorithms developed to predict the effect of sequence changes on RNA splicing suggest that this variant may disrupt the consensus splice site. In summary, the available evidence is currently insufficient to determine the role of this variant in disease. Therefore, it has been classified as a Variant of Uncertain Significance.

NM_003839.4(TNFRSF11A):c.76-19A>G

Gene: TNFRSF11A (TNF receptor superfamily member 11a; plus strand). Cytogenetic location: 18q21.33.
Variant type: single nucleotide variant.
Coding change: c.76-19A>G on transcript NM_003839.4 (MANE Select); 19 bases into the intron before coding-DNA position 76, A replaced by G.
Molecular consequence: intron variant.
Genome position (GRCh38, 1-based): chr18:62,348,149, A>G. VCF-style: chr18-62348149-A-G. GRCh37 (hg19) VCF-style: chr18-60015382-A-G.
Other names: c.76-19A>G (NM_001270949.2, NM_001270950.2, NM_001270951.2 and 1 more transcripts).
Identifiers: ClinVar variation 4719485 (VCV004719485.1).
Genomic context (GRCh38, chr18:62,348,149, plus strand): 5'-TGATTCCCTTTTTGTTTTACCTAGTTTTATCCAGAAAGAGCTGTGTGGACTCTCTGCCTG[A>G]CCTCAGTGTTCTTTTCAGGTGGCTTTGCAGATCGCTCCTCCATGTACCAGTGAGAAGCAT-3'